The following is an entry in ClinVar:

ClinVar aggregate classification (germline): Uncertain significance (1 of 4 stars; one submission).

Allele frequency attached by ClinVar (database versions not stated): ExAC 0.00001; gnomAD exomes 0.00001 and 0.00002; gnomAD 0.00002; TOPMed 0.00002; ESP Exome Variant Server 0.00008.
gnomAD v4.1: 26 of 1,613,560 alleles (0.0016%); highest among the groups gnomAD compares: Non-Finnish European, 0.002%; no homozygotes.

Submission:

Labcorp Genetics (formerly Invitae), Labcorp
Classification: Uncertain significance. Last evaluated: 2022-08-11. Review status: criteria provided, single submitter. Criteria: Invitae Variant Classification Sherloc (09022015). Collection method: clinical testing. Allele origin: germline.
Comment: This sequence change replaces arginine, which is basic and polar, with glutamine, which is neutral and polar, at codon 3313 of the PCLO protein (p.Arg3313Gln). This variant is present in population databases (rs367854891, gnomAD 0.002%). In summary, the available evidence is currently insufficient to determine the role of this variant in disease. Therefore, it has been classified as a Variant of Uncertain Significance. Algorithms developed to predict the effect of missense changes on protein structure and function are either unavailable or do not agree on the potential impact of this missense change (SIFT: "Deleterious"; PolyPhen-2: "Not Available"; Align-GVGD: "Class C0"). ClinVar contains an entry for this variant (Variation ID: 1392944). This variant has not been reported in the literature in individuals affected with PCLO-related conditions.

NM_033026.6(PCLO):c.9938G>A (p.Arg3313Gln)

Gene: PCLO (piccolo presynaptic cytomatrix protein; minus strand). Cytogenetic location: 7q21.11.
Variant type: single nucleotide variant.
Coding change: c.9938G>A on transcript NM_033026.6 (MANE Select); coding-DNA position 9938, G replaced by A.
Protein change: p.Arg3313Gln; replaces arginine 3313 with glutamine.
Molecular consequence: missense variant.
Genome position (GRCh38, 1-based): chr7:82,950,650, C>T on the plus strand (G>A on the coding strand, the complement: PCLO is on the minus strand). VCF-style: chr7-82950650-C-T. GRCh37 (hg19) VCF-style: chr7-82579966-C-T.
Other names: c.9938G>A, p.Arg3313Gln (NM_014510.3); short protein forms R3313Q.
Identifiers: ClinVar variation 1392944 (VCV001392944.6), dbSNP rs367854891, ClinGen allele CA4319822.